The following is an entry in ClinVar:

ClinVar aggregate classification (germline): Uncertain significance (1 of 4 stars; one submission).

Conditions:
Christianson syndrome (MRXSCH). Also called: X-linked mental retardation, syndromic, Christianson type; SLC9A6-Related Syndromic Mental Retardation; INTELLECTUAL DEVELOPMENTAL DISORDER, X-LINKED, SYNDROMIC, CHRISTIANSON TYPE. Identifiers: Orphanet 85278, MedGen C2678194, MONDO:0010278, OMIM 300243.

Submission:

Labcorp Genetics (formerly Invitae), Labcorp
Classification: Uncertain significance for Christianson syndrome. Last evaluated: 2025-03-06. Review status: criteria provided, single submitter. Criteria: Invitae Variant Classification Sherloc (09022015). Collection method: clinical testing. Allele origin: germline.
Comment: This sequence change replaces alanine, which is neutral and non-polar, with threonine, which is neutral and polar, at codon 276 of the SLC9A6 protein (p.Ala276Thr). This variant is present in population databases (rs782376733, gnomAD 0.008%), including at least one homozygous and/or hemizygous individual. This variant has not been reported in the literature in individuals affected with SLC9A6-related conditions. Invitae Evidence Modeling of protein sequence and biophysical properties (such as structural, functional, and spatial information, amino acid conservation, physicochemical variation, residue mobility, and thermodynamic stability) indicates that this missense variant is not expected to disrupt SLC9A6 protein function with a negative predictive value of 80%. In summary, the available evidence is currently insufficient to determine the role of this variant in disease. Therefore, it has been classified as a Variant of Uncertain Significance.

NM_001379110.1(SLC9A6):c.766G>A (p.Ala256Thr)

Gene: SLC9A6 (solute carrier family 9 member A6; plus strand). Cytogenetic location: Xq26.3.
Variant type: single nucleotide variant.
Coding change: c.766G>A on transcript NM_001379110.1 (MANE Select); coding-DNA position 766, G replaced by A.
Protein change: p.Ala256Thr; replaces alanine 256 with threonine.
Molecular consequence: missense variant.
Genome position (GRCh38, 1-based): chrX:136,010,464, G>A. VCF-style: chrX-136010464-G-A. GRCh37 (hg19) VCF-style: chrX-135092623-G-A.
Other names: c.922G>A, p.Ala308Thr (NM_001042537.2, NM_001438742.1); c.766G>A, p.Ala256Thr (NM_001177651.2, NM_001400909.1, NM_001400910.1 and 2 more transcripts); c.670G>A, p.Ala224Thr (NM_001330652.2, NM_001400913.1); c.826G>A, p.Ala276Thr (NM_006359.3); short protein forms A224T, A308T, A256T, A276T.
Identifiers: ClinVar variation 4743676 (VCV004743676.1).
Genomic context (GRCh38, chrX:136,010,464, plus strand): 5'-GGTTGTTTTCAGAAGTAAAAGCAGTCTCTCTTCTGTAGCTCAATAGTGGCATACCAGCCA[G>A]CTGGAGACAACAGTCACACCTTTGATGTCACAGCGATGTTCAAGTCTATTGGGATCTTCC-3'
Protein context (NP_001366039.1, residues 246-266): LSSSIVAYQP[Ala256Thr]GDNSHTFDVT